The following is an entry in ClinVar:

NM_000168.6(GLI3):c.640T>A (p.Ser214Thr)

Gene: GLI3 (GLI family zinc finger 3; minus strand). Cytogenetic location: 7p14.1.
Variant type: single nucleotide variant.
Coding change: c.640T>A on transcript NM_000168.6 (MANE Select); coding-DNA position 640, T replaced by A.
Protein change: p.Ser214Thr; replaces serine 214 with threonine.
Molecular consequence: missense variant.
Genome position (GRCh38, 1-based): chr7:42,048,530, A>T on the plus strand (T>A on the coding strand, the complement: GLI3 is on the minus strand). VCF-style: chr7-42048530-A-T. GRCh37 (hg19) VCF-style: chr7-42088129-A-T.
Other names: short protein forms S214T.
Identifiers: ClinVar variation 4792641 (VCV004792641.1).
Genomic context (GRCh38, chr7:42,048,530, plus strand): 5'-CAGAATCCATCCTGGACTTACCATCTGTAGGGCTCAGCCCACGGGTTGCTGAGATCATGG[A>T]GAGCGATGGGCTGCTGTGCAAGGAGCGGATATAGTCCATGTAGGGATTAATGTAGGGATG-3'
Protein context (NP_000159.3, residues 204-224): IRSLHSSPSL[Ser214Thr]MISATRGLSP

ClinVar aggregate classification (germline): Uncertain significance (1 of 4 stars; one submission).

Conditions:
Pallister-Hall syndrome (PHS). Also called: HYPOTHALAMIC HAMARTOBLASTOMA, HYPOPITUITARISM, IMPERFORATE ANUS, AND POSTAXIAL POLYDACTYLY; GLI3-Related Pallister-Hall Syndrome. Identifiers: Orphanet 672, MedGen C0265220, MONDO:0007804, OMIM 146510.
Greig cephalopolysyndactyly syndrome (GCPS). Also called: POLYSYNDACTYLY WITH PECULIAR SKULL SHAPE; Greig syndrome; GLI3-Related Greig Cephalopolysyndactyly Syndrome. Identifiers: Orphanet 380, MedGen C0265306, MONDO:0008287, OMIM 175700.

gnomAD v4.1: 1 of 1,613,482 alleles (0.000062%); no homozygotes.

Submission:

Labcorp Genetics (formerly Invitae), Labcorp
Classification: Uncertain significance for Pallister-Hall syndrome; Greig cephalopolysyndactyly syndrome. Last evaluated: 2025-12-17. Review status: criteria provided, single submitter. Criteria: Invitae Variant Classification Sherloc (09022015). Collection method: clinical testing. Allele origin: germline.
Comment: This sequence change replaces serine, which is neutral and polar, with threonine, which is neutral and polar, at codon 214 of the GLI3 protein (p.Ser214Thr). This variant is not present in population databases (gnomAD no frequency). This variant has not been reported in the literature in individuals affected with GLI3-related conditions. Invitae Evidence Modeling of protein sequence and biophysical properties (such as structural, functional, and spatial information, amino acid conservation, physicochemical variation, residue mobility, and thermodynamic stability) indicates that this missense variant is not expected to disrupt GLI3 protein function with a negative predictive value of 95%. In summary, the available evidence is currently insufficient to determine the role of this variant in disease. Therefore, it has been classified as a Variant of Uncertain Significance.